The following is an entry in ClinVar:

NM_001040058.2(SPP1):c.54A>G (p.Pro18=)

Gene: SPP1 (secreted phosphoprotein 1; plus strand). Cytogenetic location: 4q22.1.
Variant type: single nucleotide variant.
Coding change: c.54A>G on transcript NM_001040058.2 (MANE Select); coding-DNA position 54, A replaced by G.
Protein change: p.Pro18=; no amino-acid change (proline 18 retained).
Molecular consequence: synonymous variant. On other transcripts: 5 prime UTR variant (1).
Genome position (GRCh38, 1-based): chr4:87,976,949, A>G. VCF-style: chr4-87976949-A-G. GRCh37 (hg19) VCF-style: chr4-88898101-A-G.
Other names: c.54A>G, p.Pro18= (NM_000582.3, NM_001040060.2, NM_001251829.2); c.-97A>G (NM_001251830.2).
Identifiers: ClinVar variation 3067428 (VCV003067428.21), dbSNP rs1184030932, ClinGen allele CA440261097.

ClinVar aggregate classification (germline): Likely benign (1 of 4 stars; one submission).

Allele frequency attached by ClinVar (database versions not stated): gnomAD exomes below 0.00001; TOPMed below 0.00001.
gnomAD v4.1: 3 of 1,613,808 alleles (0.00019%); highest among the groups gnomAD compares: Admixed American, 0.0033%; no homozygotes.

Submission:

CeGaT Center for Human Genetics Tuebingen
Classification: Likely benign. Last evaluated: 2024-03-01. Review status: criteria provided, single submitter. Criteria: CeGaT Center For Human Genetics Tuebingen Variant Classification Criteria Version 2. Collection method: clinical testing. Allele origin: germline. Affected: yes. Observed: 1 variant allele.
Comment: SPP1: BP4, BP7